The following is an entry in ClinVar:

ClinVar aggregate classification (germline): Benign/Likely benign. Review status: criteria provided, multiple submitters, no conflicts (2 of 4 stars). 3 submissions from 3 submitters: Benign (1); Likely benign (1). 1 of the submissions does not count toward it. Last evaluated 2025-11-24.

Conditions:
SIN3A-related disorder. Also called: SIN3A-related condition.

Allele frequency attached by ClinVar (database versions not stated): gnomAD exomes 0.00035 and 0.00013; ExAC 0.00050; gnomAD 0.00116 and 0.00121; 1000 Genomes Project 0.00120; 1000 Genomes Project 30x 0.00125; TOPMed 0.00130; ESP Exome Variant Server 0.00154.
gnomAD v4.1: 379 of 1,601,338 alleles (0.024%); highest among the groups gnomAD compares: African/African-American, 0.41%; 1 homozygote.

Submissions (3):

Labcorp Genetics (formerly Invitae), Labcorp
Classification: Benign. Last evaluated: 2025-11-24. Review status: criteria provided, single submitter. Criteria: Invitae Variant Classification Sherloc (09022015). Collection method: clinical testing. Allele origin: germline.

CeGaT Center for Human Genetics Tuebingen
Classification: Likely benign. Last evaluated: 2025-06-01. Review status: criteria provided, single submitter. Criteria: CeGaT Center For Human Genetics Tuebingen Variant Classification Criteria Version 2. Collection method: clinical testing. Allele origin: germline. Affected: yes. Observed: 1 variant allele.
Comment: SIN3A: BP4, BS1

PreventionGenetics, part of Exact Sciences
Classification: Likely benign for SIN3A-related condition. Last evaluated: 2020-01-20. Review status: no assertion criteria provided. Collection method: clinical testing. Allele origin: germline. Not counted in ClinVar's aggregate classification.
Comment: This variant is classified as likely benign based on ACMG/AMP sequence variant interpretation guidelines (Richards et al. 2015 PMID: 25741868, with internal and published modifications).

NM_001145358.2(SIN3A):c.3195+8T>G

Gene: SIN3A (SIN3 transcription regulator family member A; minus strand). Cytogenetic location: 15q24.2.
Variant type: single nucleotide variant.
Coding change: c.3195+8T>G on transcript NM_001145358.2 (MANE Select); 8 bases into the intron after coding-DNA position 3195, T replaced by G.
Molecular consequence: intron variant.
Genome position (GRCh38, 1-based): chr15:75,384,256, A>C on the plus strand (T>G on the coding strand, the complement: SIN3A is on the minus strand). VCF-style: chr15-75384256-A-C. GRCh37 (hg19) VCF-style: chr15-75676597-A-C.
Other names: c.3195+8T>G (NM_001145357.2, NM_015477.3).
Identifiers: ClinVar variation 731635 (VCV000731635.18), dbSNP rs373269450, ClinGen allele CA7667317.
Genomic context (GRCh38, chr15:75,384,256, plus strand): 5'-TGGTTCAGAGAATCCTAACAACTGACATTGTCACCAGCAAGGTCTTCGACTACCTGACCA[A>C]CTCTCACCTTAAAGCAATTCTCATCTGACATTAGCTGCTCAGCTTTCCGCTGATACGTTG-3'